The following is an entry in ClinVar:

NM_001126128.2(PROK2):c.223-3C>T

Gene: PROK2 (prokineticin 2; minus strand). Cytogenetic location: 3p13.
Variant type: single nucleotide variant.
Coding change: c.223-3C>T on transcript NM_001126128.2 (MANE Select); 3 bases into the intron before coding-DNA position 223, C replaced by T.
Molecular consequence: intron variant.
Genome position (GRCh38, 1-based): chr3:71,774,510, G>A on the plus strand (C>T on the coding strand, the complement: PROK2 is on the minus strand). VCF-style: chr3-71774510-G-A. GRCh37 (hg19) VCF-style: chr3-71823661-G-A.
Other names: c.223-1682C>T (NM_021935.4).
Identifiers: ClinVar variation 3355966 (VCV003355966.2).

ClinVar aggregate classification (germline): Uncertain significance. Review status: criteria provided, single submitter (1 of 4 stars). 2 submissions from 2 submitters: Uncertain significance (1). 1 of the submissions does not count toward it. Last evaluated 2025-07-02.

Conditions:
PROK2-related disorder. Also called: PROK2-related condition.

gnomAD v4.1: 2 of 1,550,376 alleles (0.00013%); highest among the groups gnomAD compares: Non-Finnish European, 0.000087%; no homozygotes.

Submissions (2):

Labcorp Genetics (formerly Invitae), Labcorp
Classification: Uncertain significance. Last evaluated: 2025-07-02. Review status: criteria provided, single submitter. Criteria: Invitae Variant Classification Sherloc (09022015). Collection method: clinical testing. Allele origin: germline.
Comment: This sequence change falls in intron 2 of the PROK2 gene. It does not directly change the encoded amino acid sequence of the PROK2 protein. It affects a nucleotide within the consensus splice site. This variant is not present in population databases (gnomAD no frequency). This variant has not been reported in the literature in individuals affected with PROK2-related conditions. ClinVar contains an entry for this variant (Variation ID: 3355966). Variants that disrupt the consensus splice site are a relatively common cause of aberrant splicing (PMID: 17576681, 9536098). Algorithms developed to predict the effect of sequence changes on RNA splicing suggest that this variant is not likely to affect RNA splicing. In summary, the available evidence is currently insufficient to determine the role of this variant in disease. Therefore, it has been classified as a Variant of Uncertain Significance.

PreventionGenetics, part of Exact Sciences
Classification: Likely benign for PROK2-related condition. Last evaluated: 2024-06-05. Review status: no assertion criteria provided. Collection method: clinical testing. Allele origin: germline. Not counted in ClinVar's aggregate classification.
Comment: This variant is classified as likely benign based on ACMG/AMP sequence variant interpretation guidelines (Richards et al. 2015 PMID: 25741868, with internal and published modifications).

Literature cited by the submitters: PubMed 17576681 (cited by Labcorp Genetics (formerly Invitae), Labcorp); PubMed 9536098 (cited by Labcorp Genetics (formerly Invitae), Labcorp).